The following is an entry in ClinVar:

ClinVar aggregate classification (germline): Likely benign (0 of 4 stars; one submission).

Conditions:
FGFR3-related disorder. Also called: FGFR3-related disorders.

gnomAD v4.1: 13 of 1,613,018 alleles (0.00081%); highest among the groups gnomAD compares: African/African-American, 0.016%; no homozygotes.

Submission:

PreventionGenetics, part of Exact Sciences
Classification: Likely benign for FGFR3-related condition. Last evaluated: 2019-05-03. Review status: no assertion criteria provided. Collection method: clinical testing. Allele origin: germline.
Comment: This variant is classified as likely benign based on ACMG/AMP sequence variant interpretation guidelines (Richards et al. 2015 PMID: 25741868, with internal and published modifications).

NM_000142.5(FGFR3):c.2061C>T (p.Ile687=)

Gene: FGFR3 (fibroblast growth factor receptor 3; plus strand). Cytogenetic location: 4p16.3.
Variant type: single nucleotide variant.
Coding change: c.2061C>T on transcript NM_000142.5 (MANE Select); coding-DNA position 2061, C replaced by T.
Protein change: p.Ile687=; no amino-acid change (isoleucine 687 retained).
Molecular consequence: synonymous variant. On other transcripts: missense variant (1), non-coding transcript variant (1).
Genome position (GRCh38, 1-based): chr4:1,806,576, C>T. VCF-style: chr4-1806576-C-T. GRCh37 (hg19) VCF-style: chr4-1808303-C-T.
Other names: c.2067C>T, p.Ile689= (NM_001163213.2); c.2064C>T, p.Ile688= (NM_001354809.2); c.1993C>T, p.Leu665Phe (NM_001354810.2); c.1725C>T, p.Ile575= (NM_022965.4); short protein forms L665F.
Identifiers: ClinVar variation 3352666 (VCV003352666.1).
Genomic context (GRCh38, chr4:1,806,576, plus strand): 5'-AGGACAGCCTGACCTCACCTTCCCCTGCAGCTGGTCCTTTGGGGTCCTGCTCTGGGAGAT[C>T]TTCACGCTGGGGGGCTCCCCGTACCCCGGCATCCCTGTGGAGGAGCTCTTCAAGCTGCTG-3'
Protein context (NP_000133.1, residues 677-697): VWSFGVLLWE[Ile687=]FTLGGSPYPG